The following is an entry in ClinVar:

ClinVar aggregate classification (germline): Uncertain significance (1 of 4 stars; one submission).

Submission:

Ambry Genetics
Classification: Uncertain significance. Last evaluated: 2023-07-29. Review status: criteria provided, single submitter. Criteria: Ambry Variant Classification Scheme 2023. Collection method: clinical testing. Allele origin: germline.
Comment: The p.R2045K variant (also known as c.6134G>A), located in coding exon 19 of the POLQ gene, results from a G to A substitution at nucleotide position 6134. The arginine at codon 2045 is replaced by lysine, an amino acid with highly similar properties. This amino acid position is conserved. In addition, this alteration is predicted to be tolerated by in silico analysis. Since supporting evidence is limited at this time, the clinical significance of this alteration remains unclear.

NM_199420.4(POLQ):c.6134G>A (p.Arg2045Lys)

Gene: POLQ (DNA polymerase theta; minus strand). Cytogenetic location: 3q13.33.
Variant type: single nucleotide variant.
Coding change: c.6134G>A on transcript NM_199420.4 (MANE Select); coding-DNA position 6134, G replaced by A.
Protein change: p.Arg2045Lys; replaces arginine 2045 with lysine.
Molecular consequence: missense variant.
Genome position (GRCh38, 1-based): chr3:121,481,649, C>T on the plus strand (G>A on the coding strand, the complement: POLQ is on the minus strand). VCF-style: chr3-121481649-C-T. GRCh37 (hg19) VCF-style: chr3-121200496-C-T.
Other names: short protein forms R2045K.
Identifiers: ClinVar variation 2625853 (VCV002625853.2), dbSNP rs2546780327, ClinGen allele CA354087757.
Genomic context (GRCh38, chr3:121,481,649, plus strand): 5'-TGCAACAAAGAGTTGAGCTGATTCATAGAGTTGAAGATGAGAATGGACTCCACAGATGCT[C>T]TGTATCGCCCAGAATGCTCACTGCCAGCATTTAGCCCCAGGCTTTGAATCCCTTGGCTGG-3'
Protein context (NP_955452.3, residues 2035-2055): NAGSEHSGRY[Arg2045Lys]ASVESILIFN